The following is an entry in ClinVar:

NM_001040108.2(MLH3):c.3803C>G (p.Thr1268Arg)

Gene: MLH3 (mutL homolog 3; minus strand). Cytogenetic location: 14q24.3.
Variant type: single nucleotide variant.
Coding change: c.3803C>G on transcript NM_001040108.2 (MANE Select); coding-DNA position 3803, C replaced by G.
Protein change: p.Thr1268Arg; replaces threonine 1268 with arginine.
Molecular consequence: missense variant.
Genome position (GRCh38, 1-based): chr14:75,032,092, G>C on the plus strand (C>G on the coding strand, the complement: MLH3 is on the minus strand). VCF-style: chr14-75032092-G-C. GRCh37 (hg19) VCF-style: chr14-75498795-G-C.
Other names: c.3731C>G, p.Thr1244Arg (NM_014381.3); short protein forms T1268R, T1244R.
Identifiers: ClinVar variation 1735088 (VCV001735088.6), dbSNP rs1891085706, ClinGen allele CA390424767.
Genomic context (GRCh38, chr14:75,032,092, plus strand): 5'-ATACCATCAACATCACATTCTCATGGTGGTACTGACCATAAGAGTCTCCTTTGTTCCTCT[G>C]TCACTGTTATCTCTAGCGGAGGAATTAGAGTAGAAGACAGTAATTTTTTCCGACCAGAGC-3'
Protein context (NP_001035197.1, residues 1258-1278): TLIPPLEITV[Thr1268Arg]EEQRRLLWCY

ClinVar aggregate classification (germline): Uncertain significance. Review status: criteria provided, multiple submitters, no conflicts (2 of 4 stars). 2 submissions from 2 submitters: Uncertain significance (2). Last evaluated 2024-09-13.

Conditions:
Colorectal cancer, hereditary nonpolyposis, type 7. Identifiers: Orphanet 144, MedGen C1858380, MONDO:0013725, OMIM 614385.

Allele frequency attached by ClinVar (database versions not stated): gnomAD exomes 0.00002.
gnomAD v4.1: 25 of 1,611,770 alleles (0.0016%); highest among the groups gnomAD compares: Non-Finnish European, 0.0021%; no homozygotes.

Submissions (2):

Ambry Genetics
Classification: Uncertain significance. Last evaluated: 2024-09-13. Review status: criteria provided, single submitter. Criteria: Ambry Variant Classification Scheme 2023. Collection method: clinical testing. Allele origin: germline.
Comment: The p.T1268R variant (also known as c.3803C>G), located in coding exon 7 of the MLH3 gene, results from a C to G substitution at nucleotide position 3803. The threonine at codon 1268 is replaced by arginine, an amino acid with similar properties. This amino acid position is conserved. In addition, the in silico prediction for this alteration is inconclusive. Since supporting evidence is limited at this time, the clinical significance of this alteration remains unclear.

Labcorp Genetics (formerly Invitae), Labcorp
Classification: Uncertain significance for Colorectal cancer, hereditary nonpolyposis, type 7. Last evaluated: 2023-11-17. Review status: criteria provided, single submitter. Criteria: Invitae Variant Classification Sherloc (09022015). Collection method: clinical testing. Allele origin: germline.
Comment: This sequence change replaces threonine, which is neutral and polar, with arginine, which is basic and polar, at codon 1268 of the MLH3 protein (p.Thr1268Arg). This variant is not present in population databases (gnomAD no frequency). This variant has not been reported in the literature in individuals affected with MLH3-related conditions. ClinVar contains an entry for this variant (Variation ID: 1735088). An algorithm developed to predict the effect of missense changes on protein structure and function (PolyPhen-2) suggests that this variant is likely to be disruptive. In summary, the available evidence is currently insufficient to determine the role of this variant in disease. Therefore, it has been classified as a Variant of Uncertain Significance.